The following is an entry in ClinVar:

NM_000988.5(RPL27):c.145_147delinsCAG (p.Tyr49Gln)

Gene: RPL27 (ribosomal protein L27; plus strand). Cytogenetic location: 17q21.31.
Variant type: Indel.
Coding change: c.145_147delinsCAG on transcript NM_000988.5 (MANE Select); coding-DNA positions 145 to 147, TAC replaced by CAG.
Protein change: p.Tyr49Gln; replaces tyrosine 49 with glutamine.
Molecular consequence: missense variant.
Genome position (GRCh38, 1-based): chr17:42,999,996-42,999,998, TAC replaced by CAG. VCF-style: chr17-42999996-TAC-CAG. GRCh37 (hg19) VCF-style: chr17-41152013-TAC-CAG.
Other names: c.145_147delinsCAG, p.Tyr49Gln (NM_001349921.2, NM_001349922.2); short protein forms Y49Q.
Identifiers: ClinVar variation 1804699 (VCV001804699.1), dbSNP rs2544336269, ClinGen allele CA2580093772.

ClinVar aggregate classification (germline): Uncertain significance (1 of 4 stars; one submission).

Submission:

Women's Health and Genetics/Laboratory Corporation of America, LabCorp
Classification: Uncertain significance. Last evaluated: 2022-11-02. Review status: criteria provided, single submitter. Criteria: LabCorp Variant Classification Summary - May 2015. Collection method: clinical testing. Allele origin: germline.
Comment: Variant summary: RPL27 c.145_147delinsCAG (p.Tyr49Gln) results in a non-conservative amino acid change located in the Eukaryotic Ribosomal Protein L27, KOW domain (IPR041991) of the encoded protein sequence. Three of four in-silico tools predict a damaging effect of the variant on protein function. The variant was absent in 251310 control chromosomes. The available data on variant occurrences in the general population are insufficient to allow any conclusion about variant significance. To our knowledge, no occurrence of c.145_147delinsCAG in individuals affected with Diamond-Blackfan Anemia 16 and no experimental evidence demonstrating its impact on protein function have been reported. No clinical diagnostic laboratories have submitted clinical-significance assessments for this variant to ClinVar after 2014. Based on the evidence outlined above, the variant was classified as uncertain significance.